The following is an entry in ClinVar:

ClinVar aggregate classification (germline): Uncertain significance (1 of 4 stars; one submission).

Submission:

GeneDx
Classification: Uncertain significance. Last evaluated: 2026-03-26. Review status: criteria provided, single submitter. Criteria: GeneDx Variant Classification Process June 2021. Collection method: clinical testing. Allele origin: germline.
Comment: Not observed at significant frequency in large population cohorts (gnomAD); In silico analysis supports that this missense variant has a deleterious effect on splicing; In silico analysis supports that this missense variant has a deleterious effect on protein structure/function; Has not been previously published as pathogenic or benign to our knowledge

NM_001457.4(FLNB):c.5354C>G (p.Thr1785Ser)

Gene: FLNB (filamin B; plus strand). Cytogenetic location: 3p14.3.
Variant type: single nucleotide variant.
Coding change: c.5354C>G on transcript NM_001457.4 (MANE Select); coding-DNA position 5354, C replaced by G.
Protein change: p.Thr1785Ser; replaces threonine 1785 with serine.
Molecular consequence: missense variant.
Genome position (GRCh38, 1-based): chr3:58,143,542, C>G. VCF-style: chr3-58143542-C-G. GRCh37 (hg19) VCF-style: chr3-58129269-C-G.
Other names: c.5447C>G, p.Thr1816Ser (NM_001164317.2); c.5321C>G, p.Thr1774Ser (NM_001164318.2); c.5282C>G, p.Thr1761Ser (NM_001164319.2); short protein forms T1761S, T1774S, T1785S, T1816S.
Identifiers: ClinVar variation 5017256 (VCV005017256.1).
Genomic context (GRCh38, chr3:58,143,542, plus strand): 5'-ACATGCCTTCTGGGAAGACAGCCACACCTGAGATTGTGGACAACAAGGACGGCACGGTCA[C>G]TGTTAGATATGCCCCCACTGAGGTCGGGCTCCATGAGATGCACATCAAATACATGGGCAG-3'
Protein context (NP_001448.2, residues 1775-1795): EIVDNKDGTV[Thr1785Ser]VRYAPTEVGL